The following is an entry in ClinVar:

ClinVar aggregate classification (germline): Likely pathogenic (1 of 4 stars; one submission).

Conditions:
Phelan-McDermid syndrome. Also called: TELOMERIC 22q13 MONOSOMY SYNDROME; 22q13.3 deletion syndrome; Phelan-McDermid Syndrome-SHANK3 Related. Identifiers: Orphanet 48652, MedGen C1853490, MONDO:0011652, OMIM 606232.

Submission:

3billion
Classification: Likely pathogenic for Phelan-McDermid syndrome. Last evaluated: 2025-02-11. Review status: criteria provided, single submitter. Criteria: ACMG Guidelines, 2015. Collection method: clinical testing. Allele origin: germline. Affected: yes.
Comment: The variant is not observed in the gnomAD v4.1.0 dataset. Predicted Consequence/Location: Stop-gained (nonsense): predicted to result in a loss or disruption of normal protein function through nonsense-mediated decay (NMD) or protein truncation. Multiple pathogenic variants are reported downstream of the variant. Therefore, this variant is classified as Likely pathogenic according to the recommendation of ACMG/AMP guideline.

NM_001372044.2(SHANK3):c.3835C>T (p.Gln1279Ter)

Gene: SHANK3 (SH3 and multiple ankyrin repeat domains 3; plus strand). Cytogenetic location: 22q13.33.
Variant type: single nucleotide variant.
Coding change: c.3835C>T on transcript NM_001372044.2 (MANE Select); coding-DNA position 3835, C replaced by T.
Protein change: p.Gln1279Ter; replaces glutamine 1279 with a stop codon.
Molecular consequence: nonsense.
Genome position (GRCh38, 1-based): chr22:50,721,443, C>T. VCF-style: chr22-50721443-C-T. GRCh37 (hg19) VCF-style: chr22-51159871-C-T.
Other names: short protein forms Q1279*.
Identifiers: ClinVar variation 4293396 (VCV004293396.1).